The following is an entry in ClinVar:

ClinVar aggregate classification (germline): Uncertain significance (1 of 4 stars; one submission).

Allele frequency attached by ClinVar (database versions not stated): gnomAD exomes 0.00001; TOPMed 0.00001; gnomAD 0.00003.
gnomAD v4.1: 19 of 1,613,926 alleles (0.0012%); highest among the groups gnomAD compares: Non-Finnish European, 0.0016%; no homozygotes.

Submission:

Labcorp Genetics (formerly Invitae), Labcorp
Classification: Uncertain significance. Last evaluated: 2022-12-18. Review status: criteria provided, single submitter. Criteria: Invitae Variant Classification Sherloc (09022015). Collection method: clinical testing. Allele origin: germline.
Comment: In summary, the available evidence is currently insufficient to determine the role of this variant in disease. Therefore, it has been classified as a Variant of Uncertain Significance. Advanced modeling of protein sequence and biophysical properties (such as structural, functional, and spatial information, amino acid conservation, physicochemical variation, residue mobility, and thermodynamic stability) performed at Invitae indicates that this missense variant is not expected to disrupt OPA1 protein function. This variant has not been reported in the literature in individuals affected with OPA1-related conditions. This variant is present in population databases (rs748872103, gnomAD 0.0009%). This sequence change replaces serine, which is neutral and polar, with glycine, which is neutral and non-polar, at codon 708 of the OPA1 protein (p.Ser708Gly).

NM_130837.3(OPA1):c.2287A>G (p.Ser763Gly)

Gene: OPA1 (OPA1 mitochondrial dynamin like GTPase; plus strand). Cytogenetic location: 3q29.
Variant type: single nucleotide variant.
Coding change: c.2287A>G on transcript NM_130837.3 (MANE Select); coding-DNA position 2287, A replaced by G.
Protein change: p.Ser763Gly; replaces serine 763 with glycine.
Molecular consequence: missense variant.
Genome position (GRCh38, 1-based): chr3:193,657,188, A>G. VCF-style: chr3-193657188-A-G. GRCh37 (hg19) VCF-style: chr3-193374977-A-G.
Other names: c.1753A>G, p.Ser585Gly (NM_001354663.2); c.1750A>G, p.Ser584Gly (NM_001354664.2); c.2122A>G, p.Ser708Gly (NM_015560.3); c.2014A>G, p.Ser672Gly (NM_130831.3); c.2068A>G, p.Ser690Gly (NM_130832.3); c.2125A>G, p.Ser709Gly (NM_130833.3); c.2176A>G, p.Ser726Gly (NM_130834.3); c.2179A>G, p.Ser727Gly (NM_130835.3); and 1 more; short protein forms S727G, S584G, S708G, S726G, S745G, S763G, S585G, S672G.
Identifiers: ClinVar variation 2983857 (VCV002983857.3), dbSNP rs748872103, ClinGen allele CA90544635.